The following is an entry in ClinVar:

ClinVar aggregate classification (germline): Pathogenic. Review status: criteria provided, multiple submitters, no conflicts (2 of 4 stars). 2 submissions from 2 submitters: Pathogenic (2). Last evaluated 2025-10-17.

Conditions:
Mucopolysaccharidosis, MPS-II (MPS2). Also called: Hunter Syndrome; IDURONATE 2-SULFATASE DEFICIENCY; Mucopolysaccharidosis Type II; Mucopolysaccharidosis type 2; Attenuated MPS (subtype; formerly known as mild MPS II); Severe MPS II. Identifiers: Orphanet 580, Orphanet 79388, MedGen C0026705, MONDO:0010674, OMIM 309900.

Submissions (2):

Genetics Laboratory, Great Ormond Street Hospital NHS Foundation Trust, North Thames Genomic Laboratory Hub
Classification: Pathogenic for Mucopolysaccharidosis type II. Last evaluated: 2025-10-17. Review status: criteria provided, single submitter. Criteria: ACGS Best Practice Guidelines for Variant Classification in Rare Disease 2024 v1.2. Collection method: clinical testing. Allele origin: germline. Affected: yes.
Comment: PS4_moderate, PM2_moderate, PVS1_very-strong, PP4_moderate

Laboratory of Diagnosis and Therapy of Lysosomal Disorders, University of Padova
Classification: Pathogenic for Mucopolysaccharidosis, MPS-II. Last evaluated: 2024-06-07. Review status: criteria provided, single submitter. Criteria: ACMG Guidelines, 2015. Collection method: literature only. Allele origin: germline. Affected: yes. Observed: 3 variant alleles.
Comment: Null variant (PVS1_VeryStrong), In vitro or in vivo functional studies supportive of a damaging effect (PS3_Strong), Absent from controls (or at low frequency) in gnomAD database (PM2_Moderate), Patient’s phenotype or family history highly specific for the disease (PP4_Moderate)

Classification method: ACMG Guidelines [PMID:25741868] with modifications

Literature cited by the submitters: PubMed 9501270 (cited by Laboratory of Diagnosis and Therapy of Lysosomal Disorders, University of Padova); PubMed 14728992 (cited by Laboratory of Diagnosis and Therapy of Lysosomal Disorders, University of Padova); PubMed 7581397 (cited by Laboratory of Diagnosis and Therapy of Lysosomal Disorders, University of Padova); PubMed 36713083 (cited by Laboratory of Diagnosis and Therapy of Lysosomal Disorders, University of Padova).

NM_000202.8(IDS):c.1034G>A (p.Trp345Ter)

Genes: IDS (iduronate 2-sulfatase; minus strand), LOC106050102 (IDS recombination region; plus strand). Cytogenetic location: Xq28.
Variant type: single nucleotide variant.
Coding change: c.1034G>A on transcript NM_000202.8 (MANE Select); coding-DNA position 1034, G replaced by A.
Protein change: p.Trp345Ter; replaces tryptophan 345 with a stop codon.
Molecular consequence: nonsense.
Genome position (GRCh38, 1-based): chrX:149,487,071, C>T on the plus strand (G>A on the coding strand, the complement: IDS is on the minus strand). VCF-style: chrX-149487071-C-T. GRCh37 (hg19) VCF-style: chrX-148568602-C-T.
Other names: c.764G>A, p.Trp255Ter (NM_001166550.4); short protein forms W255*, W345*.
Identifiers: ClinVar variation 3255934 (VCV003255934.3).